The following is an entry in ClinVar:

ClinVar aggregate classification (germline): Uncertain significance (1 of 4 stars; one submission).

Conditions:
Dyskeratosis congenita. Identifiers: Orphanet 1775, MedGen C0265965, MONDO:0015780.

Submission:

Ambry Genetics
Classification: Uncertain significance for Dyskeratosis congenita. Last evaluated: 2025-08-14. Review status: criteria provided, single submitter. Criteria: Ambry Variant Classification Scheme 2023. Collection method: clinical testing. Allele origin: germline.
Comment: The p.A202V variant (also known as c.605C>T), located in coding exon 2 of the TERT gene, results from a C to T substitution at nucleotide position 605. The alanine at codon 202 is replaced by valine, an amino acid with similar properties. This amino acid position is conserved. In addition, this alteration is predicted to be tolerated by in silico analysis. Based on the available evidence, the clinical significance of this variant remains unclear.

NM_198253.3(TERT):c.605C>T (p.Ala202Val)

Gene: TERT (telomerase reverse transcriptase; minus strand). Cytogenetic location: 5p15.33.
Variant type: single nucleotide variant.
Coding change: c.605C>T on transcript NM_198253.3 (MANE Select); coding-DNA position 605, C replaced by T.
Protein change: p.Ala202Val; replaces alanine 202 with valine.
Molecular consequence: missense variant. On other transcripts: non-coding transcript variant (2).
Genome position (GRCh38, 1-based): chr5:1,294,281, G>A on the plus strand (C>T on the coding strand, the complement: TERT is on the minus strand). VCF-style: chr5-1294281-G-A. GRCh37 (hg19) VCF-style: chr5-1294396-G-A.
Other names: c.605C>T, p.Ala202Val (NM_001193376.3); short protein forms A202V.
Identifiers: ClinVar variation 4182805 (VCV004182805.1).